The following is an entry in ClinVar:

ClinVar aggregate classification (germline): Uncertain significance. Review status: criteria provided, multiple submitters, no conflicts (2 of 4 stars). 7 submissions from 7 submitters: Uncertain significance (7). Last evaluated 2026-02-03.

Conditions:
Cardiovascular phenotype. Identifiers: MedGen CN230736.
Familial thoracic aortic aneurysm and aortic dissection (TAAD). Also called: Thoracic aortic aneurysms and dissections. Identifiers: Orphanet 91387, MedGen C4707243, MONDO:0019625.
Ehlers-Danlos syndrome (EDS). Identifiers: Orphanet 98249, MedGen C0013720, MONDO:0020066.
Ehlers-Danlos syndrome, type 4 (EDSVASC). Also called: Ehlers-Danlos syndrome vascular type; Ehlers Danlos syndrome, ecchymotic type; Ehlers Danlos syndrome, arterial type; Ehlers Danlos syndrome, Sack-Barabas type; Ehlers-Danlos Syndrome Type IV. Identifiers: Orphanet 286, MedGen C0268338, MONDO:0017314, OMIM 130050.

Allele frequency attached by ClinVar (database versions not stated): gnomAD exomes below 0.00001 and 0.00001.
gnomAD v4.1: 3 of 1,614,176 alleles (0.00019%); highest among the groups gnomAD compares: Non-Finnish European, 0.00025%; no homozygotes.

Submissions (7):

GeneDx
Classification: Uncertain significance. Last evaluated: 2026-02-03. Review status: criteria provided, single submitter. Criteria: GeneDx Variant Classification Process June 2021. Collection method: clinical testing. Allele origin: germline.
Comment: Not observed at significant frequency in large population cohorts (gnomAD); In silico analysis supports that this missense variant has a deleterious effect on protein structure/function; Has not been previously published as pathogenic or benign to our knowledge; Not located in the triple helical region, where the majority of pathogenic missense variants occur (HGMD)

Labcorp Genetics (formerly Invitae), Labcorp
Classification: Uncertain significance for Ehlers-Danlos syndrome, type 4. Last evaluated: 2025-09-22. Review status: criteria provided, single submitter. Criteria: Invitae Variant Classification Sherloc (09022015). Collection method: clinical testing. Allele origin: germline.
Comment: This sequence change replaces glycine, which is neutral and non-polar, with serine, which is neutral and polar, at codon 1253 of the COL3A1 protein (p.Gly1253Ser). This variant is present in population databases (no rsID available, gnomAD 0.0009%). This variant has not been reported in the literature in individuals affected with COL3A1-related conditions. ClinVar contains an entry for this variant (Variation ID: 626861). Invitae Evidence Modeling of protein sequence and biophysical properties (such as structural, functional, and spatial information, amino acid conservation, physicochemical variation, residue mobility, and thermodynamic stability) indicates that this missense variant is expected to disrupt COL3A1 protein function with a positive predictive value of 95%. In summary, the available evidence is currently insufficient to determine the role of this variant in disease. Therefore, it has been classified as a Variant of Uncertain Significance.

Molecular Diagnostic Laboratory for Inherited Cardiovascular Disease, Montreal Heart Institute
Classification: Uncertain significance for Cardiovascular phenotype. Last evaluated: 2025-04-09. Review status: criteria provided, single submitter. Criteria: ACMG Guidelines, 2015. Collection method: clinical testing. Allele origin: germline. Affected: yes.

All of Us Research Program, National Institutes of Health
Classification: Uncertain significance for Ehlers-Danlos syndrome, type 4. Last evaluated: 2024-08-13. Review status: criteria provided, single submitter. Criteria: ACMG Guidelines, 2015. Collection method: clinical testing. Allele origin: germline. Inheritance: Autosomal dominant inheritance. Observed: 1 variant allele, 1 heterozygote.
Comment: This missense variant replaces glycine with serine at codon 1253 of the COL3A1 protein. Computational prediction suggests that this variant may have deleterious impact on protein structure and function. To our knowledge, functional studies have not been reported for this variant. This variant has not been reported in individuals affected with COL3A1-related disorders in the literature. This variant has been identified in 1/251200 chromosomes in the general population by the Genome Aggregation Database (gnomAD). The available evidence is insufficient to determine the role of this variant in disease conclusively. Therefore, this variant is classified as a Variant of Uncertain Significance.

This study involves interpretation of variants in research participants for the purpose of population health screening. Participant phenotype was not available at the time of variant classification. Additional details can be found in publication PMID: 35346344, PMCID: PMC8962531

Ambry Genetics
Classification: Uncertain significance for Familial thoracic aortic aneurysm and aortic dissection. Last evaluated: 2024-07-03. Review status: criteria provided, single submitter. Criteria: Ambry Variant Classification Scheme 2023. Collection method: clinical testing. Allele origin: germline.
Comment: The p.G1253S variant (also known as c.3757G>A), located in coding exon 48 of the COL3A1 gene, results from a G to A substitution at nucleotide position 3757. The glycine at codon 1253 is replaced by serine, an amino acid with similar properties. This amino acid position is highly conserved in available vertebrate species. In addition, this alteration is predicted to be deleterious by in silico analysis. Based on the available evidence, the clinical significance of this variant remains unclear.

CHEO Genetics Diagnostic Laboratory, Children's Hospital of Eastern Ontario
Classification: Uncertain significance for Familial thoracic aortic aneurysm and aortic dissection. Last evaluated: 2022-11-17. Review status: criteria provided, single submitter. Criteria: ACMG Guidelines, 2015. Collection method: clinical testing. Allele origin: germline. Study: Canadian Open Genetics Repository.

Genome Diagnostics Laboratory, The Hospital for Sick Children
Classification: Uncertain significance for Ehlers-Danlos syndrome. Last evaluated: 2018-08-07. Review status: criteria provided, single submitter. Criteria: ACMG Guidelines, 2015. Collection method: clinical testing. Allele origin: germline.

NM_000090.4(COL3A1):c.3757G>A (p.Gly1253Ser)

Gene: COL3A1 (collagen type III alpha 1 chain; plus strand). Cytogenetic location: 2q32.2.
Variant type: single nucleotide variant.
Coding change: c.3757G>A on transcript NM_000090.4 (MANE Select); coding-DNA position 3757, G replaced by A.
Protein change: p.Gly1253Ser; replaces glycine 1253 with serine.
Molecular consequence: missense variant.
Genome position (GRCh38, 1-based): chr2:189,009,155, G>A. VCF-style: chr2-189009155-G-A. GRCh37 (hg19) VCF-style: chr2-189873881-G-A.
Other names: short protein forms G1253S.
Identifiers: ClinVar variation 626861 (VCV000626861.12), dbSNP rs1447586307, ClinGen allele CA349847546.
Genomic context (GRCh38, chr2:189,009,155, plus strand): 5'-GAGATTATGACTTCACTCAAGTCTGTTAATGGACAAATAGAAAGCCTCATTAGTCCTGAT[G>A]GTTCTCGTAAAAACCCCGCTAGAAACTGCAGAGACCTGAAATTCTGCCATCCTGAACTCA-3'
Protein context (NP_000081.2, residues 1243-1263): GQIESLISPD[Gly1253Ser]SRKNPARNCR